The following is an entry in ClinVar:

NM_006005.3(WFS1):c.-93G>C

Genes: WFS1 (wolframin ER transmembrane glycoprotein; plus strand), LOC129992166 (ATAC-STARR-seq lymphoblastoid silent region 15229; plus strand). Cytogenetic location: 4p16.1.
Variant type: single nucleotide variant.
Coding change: c.-93G>C on transcript NM_006005.3 (MANE Select); 93 bases upstream of the start codon, G replaced by C.
Molecular consequence: 5 prime UTR variant.
Genome position (GRCh38, 1-based): chr4:6,269,927, G>C. VCF-style: chr4-6269927-G-C. GRCh37 (hg19) VCF-style: chr4-6271654-G-C.
Other names: c.-89G>C (NM_001145853.1).
Identifiers: ClinVar variation 903823 (VCV000903823.5), dbSNP rs1729749153, ClinGen allele CA1139658433.
Genomic context (GRCh38, chr4:6,269,927, plus strand): 5'-AGCCGGCTCTTCAGCAGCGAGTGCAGATTGCTCCCCCGCGGCCGCAGATCTCCCGTTTGC[G>C]CCGCGTTCAGCTGCTCCCGAACAACTTTTCTGCCGGCCCAGAGGCCCCAGGGCGTCGCAG-3'

ClinVar aggregate classification (germline): Conflicting classifications of pathogenicity. Review status: criteria provided, conflicting classifications (1 of 4 stars). 3 submissions from 2 submitters: Uncertain significance (2); Benign (1). Last evaluated 2018-01-13.

Conditions:
Autosomal dominant nonsyndromic hearing loss 6 (LFSNHL). Also called: DEAFNESS, AUTOSOMAL DOMINANT 6; DEAFNESS, AUTOSOMAL DOMINANT 14; DEAFNESS, AUTOSOMAL DOMINANT 38; Autosomal dominant nonsyndromic deafness 6; DIDMOAD (Diabetes Insipidus, Diabetes Mellitus, Optic Atrophy, and Deafness). Identifiers: Orphanet 90635, MedGen C1833021, MONDO:0010963, OMIM 600965.
Wolfram syndrome 1 (WFS1). Identifiers: Orphanet 3463, MedGen C4551693, MONDO:0009101, OMIM 222300.
WFS1-Related Spectrum Disorders.

Submissions (3):

Illumina Laboratory Services, Illumina
Classification: Uncertain significance for Autosomal dominant nonsyndromic hearing loss 6. Last evaluated: 2018-01-13. Review status: criteria provided, single submitter. Criteria: ICSL Variant Classification Criteria 13 December 2019. Collection method: clinical testing. Allele origin: germline.

Illumina Laboratory Services, Illumina
Classification: Uncertain significance for WFS1-Related Spectrum Disorders. Last evaluated: 2018-01-13. Review status: criteria provided, single submitter. Criteria: ICSL Variant Classification Criteria 13 December 2019. Collection method: clinical testing. Allele origin: germline.

Clinical Genomics, Uppaluri K&H Personalized Medicine Clinic
Classification: Benign for Wolfram syndrome 1. Review status: criteria provided, single submitter. Criteria: K & H Uppaluri Personalized Medicine Clinic Variant Classification & Assertion Criteria_Updated V.1. Collection method: research. Allele origin: unknown. Inheritance: Autosomal recessive inheritance.
Comment: Potent mutations in WFS1 gene are associated with Wolfram's syndrome, an autosomal recessive condition, which cause diabetes mellitus, diabetes insipidus, deafness and optic atrophy.However no sufficient evidence is found to ascertain the role of this particular variant rs1729749153 yet.

Literature cited by the submitters: PubMed 20738327 (cited by Clinical Genomics, Uppaluri K&H Personalized Medicine Clinic); PubMed 33879153 (cited by Clinical Genomics, Uppaluri K&H Personalized Medicine Clinic); PubMed 12955714 (cited by Clinical Genomics, Uppaluri K&H Personalized Medicine Clinic); PubMed 18060660 (cited by Clinical Genomics, Uppaluri K&H Personalized Medicine Clinic); PubMed 20301750 (cited by Clinical Genomics, Uppaluri K&H Personalized Medicine Clinic); PubMed 17603484 (cited by Clinical Genomics, Uppaluri K&H Personalized Medicine Clinic).